The following is an entry in ClinVar:

NM_000092.5(COL4A4):c.4788G>A (p.Trp1596Ter)

Gene: COL4A4 (collagen type IV alpha 4 chain; minus strand). Cytogenetic location: 2q36.3.
Variant type: single nucleotide variant.
Coding change: c.4788G>A on transcript NM_000092.5 (MANE Select); coding-DNA position 4788, G replaced by A.
Protein change: p.Trp1596Ter; replaces tryptophan 1596 with a stop codon.
Molecular consequence: nonsense.
Genome position (GRCh38, 1-based): chr2:227,008,039, C>T on the plus strand (G>A on the coding strand, the complement: COL4A4 is on the minus strand). VCF-style: chr2-227008039-C-T. GRCh37 (hg19) VCF-style: chr2-227872755-C-T.
Other names: short protein forms W1596*.
Identifiers: ClinVar variation 1012372 (VCV001012372.5), dbSNP rs758096259, ClinGen allele CA2144068.

ClinVar aggregate classification (germline): Conflicting classifications of pathogenicity. Review status: criteria provided, conflicting classifications (1 of 4 stars). 3 submissions from 3 submitters: Pathogenic (2); Uncertain significance (1). Last evaluated 2026-05-29.

Conditions:
Alport syndrome. Also called: Hemorrhagic familial nephritis; Hemorrhagic hereditary nephritis; Congenital hereditary hematuria. Identifiers: Orphanet 63, MedGen C1567741, MONDO:0018965.
Microscopic hematuria. Also called: Microhematuria. Identifiers: MedGen C0239937, HP:0002907.

Allele frequency attached by ClinVar (database versions not stated): gnomAD exomes below 0.00001 and 0.00001; ExAC 0.00001.
gnomAD v4.1: 1 of 1,612,866 alleles (0.000062%); highest among the groups gnomAD compares: South Asian, 0.0011%; no homozygotes.

Submissions (3):

Myriad Genetics, Inc.
Classification: Pathogenic for Alport syndrome. Last evaluated: 2026-05-29. Review status: criteria provided, single submitter. Criteria: Myriad Autosomal Dominant, Autosomal Recessive and X-Linked Classification Criteria (2023). Collection method: clinical testing. Allele origin: unknown.
Comment: NM_000092.4(COL4A4):c.4788G>A(W1596*) is a nonsense variant classified as pathogenic in the context of Alport syndrome, COL4A4-related. W1596* has been observed in cases with relevant disease (PMID: 24052634, 36685964). Relevant functional assessments of this variant are not available in the literature. W1596* has been observed in referenced population frequency databases. In summary, NM_000092.4(COL4A4):c.4788G>A(W1596*) is a nonsense variant in a gene where loss of function is a known mechanism of disease and is predicted to disrupt protein function. Please note: this variant was assessed in the context of healthy population screening.

Labcorp Genetics (formerly Invitae), Labcorp
Classification: Pathogenic. Last evaluated: 2025-08-13. Review status: criteria provided, single submitter. Criteria: Invitae Variant Classification Sherloc (09022015). Collection method: clinical testing. Allele origin: germline.
Comment: This sequence change creates a premature translational stop signal (p.Trp1596*) in the COL4A4 gene. While this is not anticipated to result in nonsense mediated decay, it is expected to disrupt the last 95 amino acid(s) of the COL4A4 protein. This variant is present in population databases (rs758096259, gnomAD 0.003%). This premature translational stop signal has been observed in individual(s) with autosomal recessive Alport syndrome (PMID: 24052634). ClinVar contains an entry for this variant (Variation ID: 1012372). This variant disrupts a region of the COL4A4 protein in which other variant(s) (p.Cys1683Tyr) have been determined to be pathogenic (PMID: 26809805). This suggests that this is a clinically significant region of the protein, and that variants that disrupt it are likely to be disease-causing. For these reasons, this variant has been classified as Pathogenic.

Center for Human Genetics and Genomic Medicine, Uniklinik Rwth Aachen
Classification: Uncertain significance for Microscopic hematuria. Last evaluated: 2021-03-10. Review status: criteria provided, single submitter. Criteria: ACMG Guidelines, 2015. Collection method: clinical testing. Allele origin: unknown. Inheritance: Autosomal dominant inheritance. Affected: yes.
Comment: The variant is reported in the dbSNP database (dbSNP150) with the designation rs758096259. In gnomAD it is listed with a frequency of 0.0008102 (2/246858). It has already been described in the literature in a homozygous state in connection with recessive Alport syndrome (Storey et al., 2013). However, it affects the last 50 base pairs of the penultimate exon of the COL4A4 gene, so that a â€œnonsense-mediated mRNA decayâ€ and thus a loss of function of the corresponding protein cannot be assumed per se. Based on the current state of knowledge, the variant can be summarized as a "variant of uncertainclinical significance" (ACMG criteria).

Literature cited by the submitters: PubMed 24052634 (cited by Myriad Genetics, Inc. and Labcorp Genetics (formerly Invitae), Labcorp); PubMed 36685964 (cited by Myriad Genetics, Inc.); PubMed 26809805 (cited by Labcorp Genetics (formerly Invitae), Labcorp).